The following continues an entry in ClinVar:

NM_016373.4(WWOX):c.689A>C (p.Gln230Pro)

Gene: WWOX. ClinVar aggregate classification (germline): Pathogenic/Likely pathogenic. Pathogenic (11); Likely pathogenic (6).

Submissions 12 to 17 of 17:

Fulgent Genetics
Classification: Pathogenic for Malignant tumor of esophagus; Autosomal recessive spinocerebellar ataxia 12; Developmental and epileptic encephalopathy, 28. Last evaluated: 2022-02-15. Review status: criteria provided, single submitter. Criteria: ACMG Guidelines, 2015. Collection method: clinical testing. Allele origin: unknown.

Department of Genetics, Rouen University Hospital, Normandy Center for Genomic and Personalized Medicine
Classification: Likely pathogenic for Developmental and epileptic encephalopathy, 28. Last evaluated: 2021-07-20. Review status: criteria provided, single submitter. Criteria: ACMG Guidelines, 2015. Collection method: clinical testing. Allele origin: inherited. Affected: yes.

Kariminejad - Najmabadi Pathology & Genetics Center
Classification: Likely pathogenic for Abnormality of the nervous system. Last evaluated: 2021-07-10. Review status: criteria provided, single submitter. Criteria: ACMG Guidelines, 2015. Collection method: clinical testing. Allele origin: germline. Affected: yes.

Undiagnosed Diseases Network, NIH
Classification: Pathogenic for Developmental and epileptic encephalopathy, 28. Last evaluated: 2020-07-08. Review status: criteria provided, single submitter. Criteria: ACMG Guidelines, 2015. Collection method: clinical testing. Allele origin: paternal. Inheritance: Autosomal recessive inheritance. Affected: yes. Observed: 1 variant allele, 1 compound heterozygote. Study: Undiagnosed Diseases Network (NIH), UDN.

Cytogénomique, Hospices Civils de Lyon
Classification: Likely pathogenic for Developmental and epileptic encephalopathy, 28. Last evaluated: 2018-01-05. Review status: criteria provided, single submitter. Criteria: ACMG Guidelines, 2015. Collection method: clinical testing. Allele origin: germline. Inheritance: Autosomal recessive inheritance. Affected: yes.

Solve-RD Consortium
Classification: Likely pathogenic for Developmental and epileptic encephalopathy, 28. Review status: criteria provided, single submitter. Criteria: ACMG Guidelines, 2015. Collection method: provider interpretation. Allele origin: germline. Inheritance: Autosomal recessive inheritance. Affected: yes. Study: Solve-RD DIFT-EpiCARE reanalysis.
Comment: PM3, PP3, PM2, PM1

Variant identified during reanalysis of unsolved cases by the Solve-RD project. The Solve-RD project has received funding from the European Union’s Horizon 2020 research and innovation programme under grant agreement No 779257.

Literature cited by the submitters: PubMed 29808465 (cited by 6 submitters); PubMed 30356099 (cited by Labcorp Genetics (formerly Invitae), Labcorp and Dasa); PubMed 30853297 (cited by 4 submitters); PubMed 35792847 (cited by Variantyx, Inc.); PubMed 36537114 (cited by Variantyx, Inc.); PubMed 38374194 (cited by Variantyx, Inc.).